The following is an entry in ClinVar:

ClinVar aggregate classification (germline): Uncertain significance (1 of 4 stars; one submission).

Conditions:
Myofibrillar myopathy 4. Also called: Zaspopathy (type). Identifiers: Orphanet 98912, MedGen C4721886, MONDO:0012277, OMIM 609452.

Allele frequency attached by ClinVar (database versions not stated): gnomAD 0.00001; gnomAD exomes 0.00001; TOPMed 0.00002.
gnomAD v4.1: 15 of 1,614,048 alleles (0.00093%); highest among the groups gnomAD compares: Non-Finnish European, 0.0012%; no homozygotes.

Submission:

Labcorp Genetics (formerly Invitae), Labcorp
Classification: Uncertain significance for Myofibrillar myopathy 4. Last evaluated: 2025-08-31. Review status: criteria provided, single submitter. Criteria: Invitae Variant Classification Sherloc (09022015). Collection method: clinical testing. Allele origin: germline.
Comment: This sequence change replaces glutamine, which is neutral and polar, with arginine, which is basic and polar, at codon 177 of the LDB3 protein (p.Gln177Arg). This variant is not present in population databases (gnomAD no frequency). This variant has not been reported in the literature in individuals affected with LDB3-related conditions. ClinVar contains an entry for this variant (Variation ID: 581549). An algorithm developed to predict the effect of missense changes on protein structure and function (PolyPhen-2) suggests that this variant is likely to be tolerated. In summary, the available evidence is currently insufficient to determine the role of this variant in disease. Therefore, it has been classified as a Variant of Uncertain Significance.

NM_001368067.1(LDB3):c.530A>G (p.Gln177Arg)

Genes: LDB3 (LIM domain binding 3; plus strand), LOC110121486 (VISTA enhancer hs2143; plus strand). Cytogenetic location: 10q23.2.
Variant type: single nucleotide variant.
Coding change: c.530A>G on transcript NM_001368067.1 (MANE Plus Clinical); coding-DNA position 530, A replaced by G.
Protein change: p.Gln177Arg; replaces glutamine 177 with arginine.
Molecular consequence: missense variant. On other transcripts: intron variant (5).
Genome position (GRCh38, 1-based): chr10:86,687,254, A>G. VCF-style: chr10-86687254-A-G. GRCh37 (hg19) VCF-style: chr10-88447011-A-G.
Other names: c.530A>G, p.Gln177Arg (NM_001080114.2, NM_001080116.1, NM_001368066.1 and 1 more transcripts); c.875A>G, p.Gln292Arg (NM_001171610.2, NM_001171611.2); c.690-4642A>G (NM_001368064.1, NM_001368063.1, NM_007078.3 and 2 more transcripts); short protein forms Q177R, Q292R.
Identifiers: ClinVar variation 581549 (VCV000581549.11), dbSNP rs1310394018, ClinGen allele CA377441964.